The following is an entry in ClinVar:

ClinVar aggregate classification (germline): Uncertain significance. Review status: criteria provided, multiple submitters, no conflicts (2 of 4 stars). 2 submissions from 2 submitters: Uncertain significance (2). Last evaluated 2024-10-03.

Conditions:
Intellectual developmental disorder, autosomal recessive 67. Also called: MENTAL RETARDATION, AUTOSOMAL RECESSIVE 67. Identifiers: MedGen C4749019, MONDO:0032662, OMIM 618295.
Inborn genetic diseases. Identifiers: MedGen C0950123, MeSH D030342.

Allele frequency attached by ClinVar (database versions not stated): ExAC 0.00002; gnomAD 0.00002; TOPMed 0.00003.
gnomAD v4.1: 15 of 1,613,978 alleles (0.00093%); highest among the groups gnomAD compares: Admixed American, 0.023%; no homozygotes.

Submissions (2):

Ambry Genetics
Classification: Uncertain significance for Inborn genetic diseases. Last evaluated: 2024-10-03. Review status: criteria provided, single submitter. Criteria: Ambry Variant Classification Scheme 2023. Collection method: clinical testing. Allele origin: germline.

Baylor Genetics
Classification: Uncertain significance for Intellectual developmental disorder, autosomal recessive 67. Last evaluated: 2020-05-06. Review status: criteria provided, single submitter. Criteria: ACMG Guidelines, 2015. Collection method: clinical testing. Allele origin: unknown. Affected: yes.
Comment: This variant was determined to be of uncertain significance according to ACMG Guidelines, 2015 [PMID:25741868].

NM_003754.3(EIF3F):c.908C>T (p.Thr303Ile)

Genes: EIF3F (eukaryotic translation initiation factor 3 subunit F; plus strand), LOC126861132 (CDK7 strongly-dependent group 2 enhancer GRCh37_chr11:8016231-8017430; plus strand). Cytogenetic location: 11p15.4.
Variant type: single nucleotide variant.
Coding change: c.908C>T on transcript NM_003754.3 (MANE Select); coding-DNA position 908, C replaced by T.
Protein change: p.Thr303Ile; replaces threonine 303 with isoleucine.
Molecular consequence: missense variant.
Genome position (GRCh38, 1-based): chr11:7,995,279, C>T. VCF-style: chr11-7995279-C-T. GRCh37 (hg19) VCF-style: chr11-8016826-C-T.
Other names: short protein forms T303I.
Identifiers: ClinVar variation 1028654 (VCV001028654.2), dbSNP rs772380740, ClinGen allele CA5870714.